The following is an entry in ClinVar:

NM_018060.4(IARS2):c.799C>T (p.Arg267Cys)

Gene: IARS2 (isoleucyl-tRNA synthetase 2, mitochondrial; plus strand). Cytogenetic location: 1q41.
Variant type: single nucleotide variant.
Coding change: c.799C>T on transcript NM_018060.4 (MANE Select); coding-DNA position 799, C replaced by T.
Protein change: p.Arg267Cys; replaces arginine 267 with cysteine.
Molecular consequence: missense variant.
Genome position (GRCh38, 1-based): chr1:220,102,544, C>T. VCF-style: chr1-220102544-C-T. GRCh37 (hg19) VCF-style: chr1-220275886-C-T.
Other names: short protein forms R267C.
Identifiers: ClinVar variation 1951553 (VCV001951553.3), dbSNP rs917298497, ClinGen allele CA37540202.

ClinVar aggregate classification (germline): Uncertain significance (1 of 4 stars; one submission).

Allele frequency attached by ClinVar (database versions not stated): TOPMed 0.00002.
gnomAD v4.1: 30 of 1,613,926 alleles (0.0019%); highest among the groups gnomAD compares: South Asian, 0.0055%; no homozygotes.

Submission:

Labcorp Genetics (formerly Invitae), Labcorp
Classification: Uncertain significance. Last evaluated: 2022-08-16. Review status: criteria provided, single submitter. Criteria: Invitae Variant Classification Sherloc (09022015). Collection method: clinical testing. Allele origin: germline.
Comment: In summary, the available evidence is currently insufficient to determine the role of this variant in disease. Therefore, it has been classified as a Variant of Uncertain Significance. Algorithms developed to predict the effect of missense changes on protein structure and function output the following: SIFT: "Tolerated"; PolyPhen-2: "Benign"; Align-GVGD: "Class C15". The cysteine amino acid residue is found in multiple mammalian species, which suggests that this missense change does not adversely affect protein function. This variant has not been reported in the literature in individuals affected with IARS2-related conditions. This variant is present in population databases (no rsID available, gnomAD 0.003%). This sequence change replaces arginine, which is basic and polar, with cysteine, which is neutral and slightly polar, at codon 267 of the IARS2 protein (p.Arg267Cys).